The following is an entry in ClinVar:

ClinVar aggregate classification (germline): Likely benign. Review status: criteria provided, multiple submitters, no conflicts (2 of 4 stars). 4 submissions from 4 submitters: Likely benign (3). 1 of the submissions does not count toward it. Last evaluated 2025-11-08.

Conditions:
COL18A1-related disorder. Also called: COL18A1-related disorders; COL18A1-related condition.

Allele frequency attached by ClinVar (database versions not stated): gnomAD exomes 0.00002 and 0.00006; ExAC 0.00007; gnomAD 0.00009 and 0.00011; 1000 Genomes Project 30x 0.00062; 1000 Genomes Project 0.00080.
gnomAD v4.1: 57 of 1,614,054 alleles (0.0035%); highest among the groups gnomAD compares: Middle Eastern, 0.082%; no homozygotes.

Submissions (4):

Labcorp Genetics (formerly Invitae), Labcorp
Classification: Likely benign. Last evaluated: 2025-11-08. Review status: criteria provided, single submitter. Criteria: Invitae Variant Classification Sherloc (09022015). Collection method: clinical testing. Allele origin: germline.

Blueprint Genetics
Classification: Likely benign. Last evaluated: 2024-10-23. Review status: criteria provided, single submitter. Criteria: ACMG Guidelines, 2015. Collection method: clinical testing. Allele origin: germline.

Breakthrough Genomics
Classification: Likely benign. Review status: criteria provided, single submitter. Criteria: ACMG Guidelines, 2015. Collection method: not provided. Allele origin: germline. Inheritance: Autosomal recessive inheritance. Affected: yes.

PreventionGenetics, part of Exact Sciences
Classification: Likely benign for COL18A1-related condition. Last evaluated: 2019-03-14. Review status: no assertion criteria provided. Collection method: clinical testing. Allele origin: germline. Not counted in ClinVar's aggregate classification.
Comment: This variant is classified as likely benign based on ACMG/AMP sequence variant interpretation guidelines (Richards et al. 2015 PMID: 25741868, with internal and published modifications).

NM_001379500.1(COL18A1):c.288C>T (p.Phe96=)

Gene: COL18A1 (collagen type XVIII alpha 1 chain; plus strand). Cytogenetic location: 21q22.3.
Variant type: single nucleotide variant.
Coding change: c.288C>T on transcript NM_001379500.1 (MANE Select); coding-DNA position 288, C replaced by T.
Protein change: p.Phe96=; no amino-acid change (phenylalanine 96 retained).
Molecular consequence: synonymous variant.
Genome position (GRCh38, 1-based): chr21:45,468,423, C>T. VCF-style: chr21-45468423-C-T. GRCh37 (hg19) VCF-style: chr21-46888337-C-T.
Other names: c.828C>T, p.Phe276= (NM_030582.4); c.1533C>T, p.Phe511= (NM_130444.3); c.828C>T (NM_030582.3).
Identifiers: ClinVar variation 1083282 (VCV001083282.13), dbSNP rs149578781, ClinGen allele CA10065713.